The following is an entry in ClinVar:

ClinVar aggregate classification (germline): Uncertain significance (1 of 4 stars; one submission).

Submission:

Labcorp Genetics (formerly Invitae), Labcorp
Classification: Uncertain significance. Last evaluated: 2022-04-19. Review status: criteria provided, single submitter. Criteria: Invitae Variant Classification Sherloc (09022015). Collection method: clinical testing. Allele origin: germline.
Comment: This sequence change replaces proline, which is neutral and non-polar, with arginine, which is basic and polar, at codon 11 of the SLC34A1 protein (p.Pro11Arg). Information on the frequency of this variant in the gnomAD database is not available, as this variant may be reported differently in the database. This variant has not been reported in the literature in individuals affected with SLC34A1-related conditions. Algorithms developed to predict the effect of missense changes on protein structure and function are either unavailable or do not agree on the potential impact of this missense change (SIFT: "Not Available"; PolyPhen-2: "Benign"; Align-GVGD: "Not Available"). In summary, the available evidence is currently insufficient to determine the role of this variant in disease. Therefore, it has been classified as a Variant of Uncertain Significance.

NM_003052.5(SLC34A1):c.32_33delinsGG (p.Pro11Arg)

Gene: SLC34A1 (solute carrier family 34 member 1; plus strand). Cytogenetic location: 5q35.3.
Variant type: Indel.
Coding change: c.32_33delinsGG on transcript NM_003052.5 (MANE Select); coding-DNA positions 32 to 33, CT replaced by GG.
Protein change: p.Pro11Arg; replaces proline 11 with arginine.
Molecular consequence: missense variant.
Genome position (GRCh38, 1-based): chr5:177,385,773-177,385,774, CT replaced by GG. VCF-style: chr5-177385773-CT-GG. GRCh37 (hg19) VCF-style: chr5-176812774-CT-GG.
Other names: c.32_33delinsGG, p.Pro11Arg (NM_001167579.2); short protein forms P11R.
Identifiers: ClinVar variation 2099848 (VCV002099848.1), dbSNP rs2481007738, ClinGen allele CA2580074098.